The following is an entry in ClinVar:

ClinVar aggregate classification (germline): Pathogenic. Review status: criteria provided, multiple submitters, no conflicts (2 of 4 stars). 3 submissions from 3 submitters: Pathogenic (3). Last evaluated 2025-06-01.

Conditions:
Hereditary breast ovarian cancer syndrome. Also called: Hereditary breast and ovarian cancer; Hereditary breast and ovarian cancer syndrome (HBOC); Breast and ovarian cancer; BRCA1- and BRCA2-Associated Hereditary Breast and Ovarian Cancer; Hereditary breast and/or ovarian cancer syndrome; Hereditary breast and ovarian cancer syndrome. Identifiers: Orphanet 145, MedGen C0677776, MeSH D061325, MONDO:0003582. Disease mechanism: loss of function.
Hereditary cancer-predisposing syndrome. Also called: Neoplastic Syndromes, Hereditary; Hereditary neoplastic syndrome; Tumor predisposition; Hereditary Cancer Syndrome. Identifiers: Orphanet 140162, MedGen C0027672, MeSH D009386, MONDO:0015356.

Submissions (3):

Labcorp Genetics (formerly Invitae), Labcorp
Classification: Pathogenic for Hereditary breast ovarian cancer syndrome. Last evaluated: 2025-06-01. Review status: criteria provided, single submitter. Criteria: Invitae Variant Classification Sherloc (09022015). Collection method: clinical testing. Allele origin: germline.
Comment: This sequence change creates a premature translational stop signal (p.Ser2267*) in the BRCA2 gene. It is expected to result in an absent or disrupted protein product. Loss-of-function variants in BRCA2 are known to be pathogenic (PMID: 20104584). This variant is not present in population databases (gnomAD no frequency). This premature translational stop signal has been observed in individual(s) with a family history of breast and ovarian cancer (PMID: 28724667, 30287823). ClinVar contains an entry for this variant (Variation ID: 619645). For these reasons, this variant has been classified as Pathogenic.

Ambry Genetics
Classification: Pathogenic for Hereditary cancer-predisposing syndrome. Last evaluated: 2024-06-11. Review status: criteria provided, single submitter. Criteria: Ambry Variant Classification Scheme 2023. Collection method: clinical testing. Allele origin: germline.
Comment: The p.S2267* pathogenic mutation (also known as c.6800C>G), located in coding exon 10 of the BRCA2 gene, results from a C to G substitution at nucleotide position 6800. This changes the amino acid from a serine to a stop codon within coding exon 10. This variant was identified amongst a cohort of 3984 Chinese women with a breast cancer diagnosis undergoing BRCA1/2 genetic testing (Yao L et al. J Hum Genet, 2022 Nov;67:639-642). This variant is considered to be rare based on population cohorts in the Genome Aggregation Database (gnomAD). This alteration is expected to result in loss of function by premature protein truncation or nonsense-mediated mRNA decay. As such, this alteration is interpreted as a disease-causing mutation.

Quest Diagnostics Nichols Institute San Juan Capistrano
Classification: Pathogenic. Last evaluated: 2018-06-20. Review status: criteria provided, single submitter. Criteria: Quest Diagnostics criteria. Collection method: clinical testing. Allele origin: germline.

Literature cited by the submitters: PubMed 20104584 (cited by Labcorp Genetics (formerly Invitae), Labcorp); PubMed 28724667 (cited by Labcorp Genetics (formerly Invitae), Labcorp); PubMed 30287823 (cited by Labcorp Genetics (formerly Invitae), Labcorp); PubMed 35864222 (cited by Ambry Genetics).

NM_000059.4(BRCA2):c.6800C>G (p.Ser2267Ter)

Gene: BRCA2 (BRCA2 DNA repair associated; plus strand). Cytogenetic location: 13q13.1.
Variant type: single nucleotide variant.
Coding change: c.6800C>G on transcript NM_000059.4 (MANE Select); coding-DNA position 6800, C replaced by G.
Protein change: p.Ser2267Ter; replaces serine 2267 with a stop codon.
Molecular consequence: nonsense.
Genome position (GRCh38, 1-based): chr13:32,341,155, C>G. VCF-style: chr13-32341155-C-G. GRCh37 (hg19) VCF-style: chr13-32915292-C-G.
Other names: short protein forms S2267*.
Identifiers: ClinVar variation 619645 (VCV000619645.6), dbSNP rs377698594, ClinGen allele CA387791349.
Genomic context (GRCh38, chr13:32,341,155, plus strand): 5'-GTCATGCCACACATTCTCTTTTTACATGTCCCGAAAATGAGGAAATGGTTTTGTCAAATT[C>G]AAGAATTGGAAAAAGAAGAGGAGAGCCCCTTATCTTAGTGGGTAAGTGTTCATTTTTACC-3'